The following is an entry in ClinVar:

ClinVar aggregate classification (germline): Uncertain significance (1 of 4 stars; one submission).

Conditions:
Charcot-Marie-Tooth disease dominant intermediate C (CMTDIC). Also called: CHARCOT-MARIE-TOOTH NEUROPATHY, DOMINANT INTERMEDIATE C. Identifiers: Orphanet 100045, MedGen C1842237, MONDO:0012012, OMIM 608323.

Allele frequency attached by ClinVar (database versions not stated): ExAC 0.00001; TOPMed 0.00002.
gnomAD v4.1: 18 of 1,614,060 alleles (0.0011%); highest among the groups gnomAD compares: Non-Finnish European, 0.0015%; no homozygotes.

Submission:

Labcorp Genetics (formerly Invitae), Labcorp
Classification: Uncertain significance for Charcot-Marie-Tooth disease dominant intermediate C. Last evaluated: 2023-05-22. Review status: criteria provided, single submitter. Criteria: Invitae Variant Classification Sherloc (09022015). Collection method: clinical testing. Allele origin: germline.
Comment: In summary, the available evidence is currently insufficient to determine the role of this variant in disease. Therefore, it has been classified as a Variant of Uncertain Significance. Algorithms developed to predict the effect of sequence changes on RNA splicing suggest that this variant may disrupt the consensus splice site. ClinVar contains an entry for this variant (Variation ID: 1982578). This variant has not been reported in the literature in individuals affected with YARS-related conditions. This variant is present in population databases (rs760850018, gnomAD 0.0009%). This sequence change falls in intron 1 of the YARS gene. It does not directly change the encoded amino acid sequence of the YARS protein.

NM_003680.4(YARS1):c.58-4A>G

Gene: YARS1 (tyrosyl-tRNA synthetase 1; minus strand). Cytogenetic location: 1p35.1.
Variant type: single nucleotide variant.
Coding change: c.58-4A>G on transcript NM_003680.4 (MANE Select); 4 bases into the intron before coding-DNA position 58, A replaced by G.
Molecular consequence: intron variant.
Genome position (GRCh38, 1-based): chr1:32,811,061, T>C on the plus strand (A>G on the coding strand, the complement: YARS1 is on the minus strand). VCF-style: chr1-32811061-T-C. GRCh37 (hg19) VCF-style: chr1-33276662-T-C.
Identifiers: ClinVar variation 1982578 (VCV001982578.4), dbSNP rs760850018, ClinGen allele CA745293.